The following is an entry in ClinVar:

ClinVar aggregate classification (germline): Benign/Likely benign. Review status: criteria provided, multiple submitters, no conflicts (2 of 4 stars). 3 submissions from 3 submitters: Benign (1); Likely benign (1). 1 of the submissions does not count toward it. Last evaluated 2023-11-01.

Conditions:
XIRP2-related disorder. Also called: XIRP2-related condition.

Allele frequency attached by ClinVar (database versions not stated): gnomAD 0.00142 and 0.00148; TOPMed 0.00144; ESP Exome Variant Server 0.00212; gnomAD exomes 0.00254 and 0.00117; 1000 Genomes Project 30x 0.00031; 1000 Genomes Project 0.00040; ExAC 0.00101.
gnomAD v4.1: 3,864 of 1,613,356 alleles (0.24%); highest among the groups gnomAD compares: Non-Finnish European, 0.31%; 8 homozygotes.

Submissions (3):

CeGaT Center for Human Genetics Tuebingen
Classification: Likely benign. Last evaluated: 2023-11-01. Review status: criteria provided, single submitter. Criteria: CeGaT Center For Human Genetics Tuebingen Variant Classification Criteria Version 2. Collection method: clinical testing. Allele origin: germline. Affected: yes. Observed: 1 variant allele.
Comment: XIRP2: BP4, BP7

Labcorp Genetics (formerly Invitae), Labcorp
Classification: Benign. Last evaluated: 2019-12-31. Review status: criteria provided, single submitter. Criteria: Invitae Variant Classification Sherloc (09022015). Collection method: clinical testing. Allele origin: germline.

PreventionGenetics, part of Exact Sciences
Classification: Likely benign for XIRP2-related condition. Last evaluated: 2019-08-09. Review status: no assertion criteria provided. Collection method: clinical testing. Allele origin: germline. Not counted in ClinVar's aggregate classification.
Comment: This variant is classified as likely benign based on ACMG/AMP sequence variant interpretation guidelines (Richards et al. 2015 PMID: 25741868, with internal and published modifications).

NM_152381.6(XIRP2):c.9126G>A (p.Pro3042=)

Gene: XIRP2 (xin actin binding repeat containing 2; plus strand). Cytogenetic location: 2q24.3.
Variant type: single nucleotide variant.
Coding change: c.9126G>A on transcript NM_152381.6 (MANE Select); coding-DNA position 9126, G replaced by A.
Protein change: p.Pro3042=; no amino-acid change (proline 3042 retained).
Molecular consequence: synonymous variant. On other transcripts: intron variant (3).
Genome position (GRCh38, 1-based): chr2:167,250,518, G>A. VCF-style: chr2-167250518-G-A. GRCh37 (hg19) VCF-style: chr2-168107028-G-A.
Other names: c.9126G>A (NM_152381.5); c.8460G>A, p.Pro2820= (NM_001199144.2); c.1276-3514G>A (NM_001199143.2); c.1177-3514G>A (NM_001079810.4); c.511-3514G>A (NM_001199145.2).
Identifiers: ClinVar variation 719169 (VCV000719169.28), dbSNP rs191522105, ClinGen allele CA1947958.
Genomic context (GRCh38, chr2:167,250,518, plus strand): 5'-GCTTGTGTCCTATGAAAATATAATTCAGACAGCCATGATGTCCTCCAAAACAGGAAAACC[G>A]GGAAATAAACCCACTAGTCTTGATGAAACATCATCCAAAGTATCTAATGTTCATGTCAGC-3'
Protein context (NP_689594.4, residues 3032-3052): TAMMSSKTGK[Pro3042=]GNKPTSLDET